The following is an entry in ClinVar:

ClinVar aggregate classification (germline): Uncertain significance. Review status: criteria provided, multiple submitters, no conflicts (2 of 4 stars). 3 submissions from 3 submitters: Uncertain significance (3). Last evaluated 2024-09-02.

Conditions:
Fanconi anemia complementation group I (FANCI). Also called: FANCI-Related Fanconi Anemia. Identifiers: Orphanet 84, MedGen C1836861, MONDO:0012186, OMIM 609053.
Fanconi anemia (FA). Also called: Fanconi's anemia. Identifiers: Orphanet 84, MedGen C0015625, MeSH D005199, MONDO:0019391.

Allele frequency attached by ClinVar (database versions not stated): gnomAD exomes 0.00001 and 0.00005; TOPMed 0.00001; ExAC 0.00007.
gnomAD v4.1: 21 of 1,614,226 alleles (0.0013%); highest among the groups gnomAD compares: South Asian, 0.0033%; no homozygotes.

Submissions (3):

Blueprint Genetics
Classification: Uncertain significance. Last evaluated: 2024-09-02. Review status: criteria provided, single submitter. Criteria: ACMG Guidelines, 2015. Collection method: clinical testing. Allele origin: germline.

Fulgent Genetics
Classification: Uncertain significance for Fanconi anemia complementation group I. Last evaluated: 2024-01-10. Review status: criteria provided, single submitter. Criteria: ACMG Guidelines, 2015. Collection method: clinical testing. Allele origin: germline.

Labcorp Genetics (formerly Invitae), Labcorp
Classification: Uncertain significance for Fanconi anemia. Last evaluated: 2022-07-23. Review status: criteria provided, single submitter. Criteria: Invitae Variant Classification Sherloc (09022015). Collection method: clinical testing. Allele origin: germline.
Comment: This sequence change replaces lysine, which is basic and polar, with arginine, which is basic and polar, at codon 280 of the FANCI protein (p.Lys280Arg). This variant is present in population databases (rs772035961, gnomAD 0.009%). This variant has not been reported in the literature in individuals affected with FANCI-related conditions. ClinVar contains an entry for this variant (Variation ID: 952003). Algorithms developed to predict the effect of missense changes on protein structure and function (SIFT, PolyPhen-2, Align-GVGD) all suggest that this variant is likely to be tolerated. Algorithms developed to predict the effect of sequence changes on RNA splicing suggest that this variant may create or strengthen a splice site. In summary, the available evidence is currently insufficient to determine the role of this variant in disease. Therefore, it has been classified as a Variant of Uncertain Significance.

NM_001113378.2(FANCI):c.839A>G (p.Lys280Arg)

Gene: FANCI (FA complementation group I; plus strand). Cytogenetic location: 15q26.1.
Variant type: single nucleotide variant.
Coding change: c.839A>G on transcript NM_001113378.2 (MANE Select); coding-DNA position 839, A replaced by G.
Protein change: p.Lys280Arg; replaces lysine 280 with arginine.
Molecular consequence: missense variant.
Genome position (GRCh38, 1-based): chr15:89,268,482, A>G. VCF-style: chr15-89268482-A-G. GRCh37 (hg19) VCF-style: chr15-89811713-A-G.
Other names: c.560A>G, p.Lys187Arg (NM_001376910.1); c.839A>G, p.Lys280Arg (NM_001376911.1, NM_018193.3); short protein forms K280R, K187R.
Identifiers: ClinVar variation 952003 (VCV000952003.9), dbSNP rs772035961, ClinGen allele CA7722784.